The following is an entry in ClinVar:

ClinVar aggregate classification (germline): Benign/Likely benign. Review status: criteria provided, multiple submitters, no conflicts (2 of 4 stars). 5 submissions from 5 submitters: Benign (1); Likely benign (4). Last evaluated 2026-08-01.

Conditions:
Intellectual developmental disorder, autosomal recessive 1. Also called: Intellectual disability, autosomal recessive 1; MENTAL RETARDATION, AUTOSOMAL RECESSIVE 1. Identifiers: Orphanet 88616, MedGen C1855304, MONDO:0009580, OMIM 249500.

Allele frequency attached by ClinVar (database versions not stated): 1000 Genomes Project 30x 0.00109; 1000 Genomes Project 0.00120; TOPMed 0.00430; gnomAD exomes 0.00436 and 0.00714; ExAC 0.00438; gnomAD 0.00447; ESP Exome Variant Server 0.00561.
gnomAD v4.1: 11,067 of 1,613,282 alleles (0.69%); highest among the groups gnomAD compares: Non-Finnish European, 0.83%; 53 homozygotes.

Submissions (7):

CeGaT Center for Human Genetics Tuebingen
Classification: Likely benign. Last evaluated: 2026-08-01. Review status: criteria provided, single submitter. Criteria: CeGaT Center For Human Genetics Tuebingen Variant Classification Criteria Version 2. Collection method: clinical testing. Allele origin: germline. Affected: yes. Observed: 28 variant alleles.
Comment: PRSS12: BP4, BP7, BS2

Labcorp Genetics (formerly Invitae), Labcorp
Classification: Benign. Last evaluated: 2019-12-31. Review status: criteria provided, single submitter. Criteria: Invitae Variant Classification Sherloc (09022015). Collection method: clinical testing. Allele origin: germline.

Illumina Laboratory Services, Illumina
Classification: Likely benign for Intellectual developmental disorder, autosomal recessive 1. Last evaluated: 2018-01-13. Review status: criteria provided, single submitter. Criteria: ICSL Variant Classification Criteria 13 December 2019. Collection method: clinical testing. Allele origin: germline.
Comment: This variant was observed in the ICSL laboratory as part of a predisposition screen in an ostensibly healthy population. It had not been previously curated by ICSL or reported in the Human Gene Mutation Database (HGMD: prior to June 1st, 2018), and was therefore a candidate for classification through an automated scoring system. Utilizing variant allele frequency, disease prevalence and penetrance estimates, and inheritance mode, an automated score was calculated to assess if this variant is too frequent to cause the disease. Based on the score and internal cut-off values, a variant classified as likely benign is not then subjected to further curation. The score for this variant resulted in a classification of likely benign for this disease.

Genetic Services Laboratory, University of Chicago
Classification: Likely benign. Last evaluated: 2015-07-16. Review status: criteria provided, single submitter. Criteria: ACMG Guidelines, 2015. Collection method: clinical testing. Allele origin: germline.

Breakthrough Genomics
Classification: Likely benign. Review status: criteria provided, single submitter. Criteria: ACMG Guidelines, 2015. Collection method: not provided. Allele origin: germline. Inheritance: Autosomal recessive inheritance. Affected: yes.

Dr. Peter K. Rogan Lab, Western University
No classification provided (evidence only). Condition: Lung cancer. Review status: no classification provided. Collection method: in vitro. Allele origin: not applicable. Functional consequence: retained intron. Not counted in ClinVar's aggregate classification.

Dr. Peter K. Rogan Lab, Western University
No classification provided (evidence only). Condition: Adrenocortical carcinoma, hereditary. Review status: no classification provided. Collection method: in vitro. Allele origin: not applicable. Functional consequence: retained intron. Not counted in ClinVar's aggregate classification.

NM_003619.4(PRSS12):c.51A>G (p.Glu17=)

Gene: PRSS12 (serine protease 12; minus strand). Cytogenetic location: 4q26.
Variant type: single nucleotide variant.
Coding change: c.51A>G on transcript NM_003619.4 (MANE Select); coding-DNA position 51, A replaced by G.
Protein change: p.Glu17=; no amino-acid change (glutamic acid 17 retained).
Molecular consequence: synonymous variant.
Genome position (GRCh38, 1-based): chr4:118,352,670, T>C on the plus strand (A>G on the coding strand, the complement: PRSS12 is on the minus strand). VCF-style: chr4-118352670-T-C. GRCh37 (hg19) VCF-style: chr4-119273825-T-C.
Other names: NC_000004.11:g.119273825T>C.
Identifiers: ClinVar variation 211963 (VCV000211963.48), dbSNP rs144853134, ClinGen allele CA205271.